The following is an entry in ClinVar:

NM_014946.4(SPAST):c.1116A>C (p.Arg372Ser)

Gene: SPAST (spastin; plus strand). Cytogenetic location: 2p22.3.
Variant type: single nucleotide variant.
Coding change: c.1116A>C on transcript NM_014946.4 (MANE Select); coding-DNA position 1116, A replaced by C.
Protein change: p.Arg372Ser; replaces arginine 372 with serine.
Molecular consequence: missense variant.
Genome position (GRCh38, 1-based): chr2:32,126,965, A>C. VCF-style: chr2-32126965-A-C. GRCh37 (hg19) VCF-style: chr2-32352034-A-C.
Other names: c.1113A>C, p.Arg371Ser (NM_001363823.2); c.1017A>C, p.Arg339Ser (NM_001363875.2); c.1020A>C, p.Arg340Ser (NM_001377959.1, NM_199436.2); short protein forms R372S, R339S, R340S, R371S.
Identifiers: ClinVar variation 448439 (VCV000448439.13), dbSNP rs1425976342, ClinGen allele CA346501226.

ClinVar aggregate classification (germline): Conflicting classifications of pathogenicity. Review status: criteria provided, conflicting classifications (1 of 4 stars). 2 submissions from 2 submitters: Pathogenic (1); Uncertain significance (1). Last evaluated 2025-11-06.

Conditions:
Hereditary spastic paraplegia 4. Also called: Spastic Paraplegia 4; Familial spastic paraplegia autosomal dominant 2; Spastic paraplegia 4, autosomal dominant. Identifiers: Orphanet 100985, MedGen C1866855, MONDO:0008438, OMIM 182601.

Submissions (2):

Labcorp Genetics (formerly Invitae), Labcorp
Classification: Pathogenic for Hereditary spastic paraplegia 4. Last evaluated: 2025-11-06. Review status: criteria provided, single submitter. Criteria: Invitae Variant Classification Sherloc (09022015). Collection method: clinical testing. Allele origin: germline.
Comment: This sequence change replaces arginine, which is basic and polar, with serine, which is neutral and polar, at codon 372 of the SPAST protein (p.Arg372Ser). This variant is not present in population databases (gnomAD no frequency). This missense change has been observed in individuals with hereditary spastic paraplegia (PMID: 35303589; internal data). Invitae Evidence Modeling of clinical and family history, age, sex, and reported ancestry of multiple individuals with this SPAST variant has been performed. This variant is expected to be pathogenic with a positive predictive value of at least 99%. This is a validated machine learning model that incorporates the clinical features of 4,195 individuals referred to our laboratory for SPAST testing. ClinVar contains an entry for this variant (Variation ID: 448439). Invitae Evidence Modeling of protein sequence and biophysical properties (such as structural, functional, and spatial information, amino acid conservation, physicochemical variation, residue mobility, and thermodynamic stability) indicates that this missense variant is expected to disrupt SPAST protein function with a positive predictive value of 80%. This variant disrupts the p.Arg372 amino acid residue in SPAST. Other variant(s) that disrupt this residue have been observed in individuals with SPAST-related conditions (PMID: 2504538, 28572275; internal data), which suggests that this may be a clinically significant amino acid residue. For these reasons, this variant has been classified as Pathogenic.

Athena Diagnostics
Classification: Uncertain significance. Last evaluated: 2022-07-29. Review status: criteria provided, single submitter. Criteria: Athena Diagnostics Criteria. Collection method: clinical testing. Allele origin: unknown.

Literature cited by the submitters: PubMed 35303589 (cited by Labcorp Genetics (formerly Invitae), Labcorp and Athena Diagnostics); PubMed 2504538 (cited by Labcorp Genetics (formerly Invitae), Labcorp); PubMed 28572275 (cited by Labcorp Genetics (formerly Invitae), Labcorp).